The following is an entry in ClinVar:

ClinVar aggregate classification (germline): Conflicting classifications of pathogenicity. Review status: criteria provided, conflicting classifications (1 of 4 stars). 2 submissions from 2 submitters: Uncertain significance (1); Likely benign (1). Last evaluated 2024-11-25.

Conditions:
NRP1-related disorder. Also called: NRP1-related condition.

Allele frequency attached by ClinVar (database versions not stated): gnomAD 0.00004 and 0.00006; gnomAD exomes 0.00006 and 0.00017; TOPMed 0.00014; ExAC 0.00019; 1000 Genomes Project 30x 0.00031; 1000 Genomes Project 0.00040.
gnomAD v4.1: 91 of 1,609,672 alleles (0.0057%); highest among the groups gnomAD compares: East Asian, 0.19%; no homozygotes.

Submissions (2):

PreventionGenetics, part of Exact Sciences
Classification: Uncertain significance for NRP1-related condition. Last evaluated: 2024-11-25. Review status: criteria provided, single submitter. Criteria: ACMG Guidelines, 2015. Collection method: clinical testing. Allele origin: germline.
Comment: The NRP1 c.418A>C variant is predicted to result in the amino acid substitution p.Ile140Leu. This variant was reported in at least one Chinese patient with isolated hypogonadotropic hypogonadism, although conclusive evidence of pathogenicity was not presented (Zhou et al 2018. PubMed ID: 30098700; Men et al 2021. PubMed ID: 34636164). This variant is reported in 0.23% of alleles in individuals of East Asian descent in gnomAD. Although we suspect that this variant may be benign, the clinical significance of this variant is classified as uncertain at this time due to insufficient functional and genetic evidence.

Labcorp Genetics (formerly Invitae), Labcorp
Classification: Likely benign. Last evaluated: 2018-07-27. Review status: criteria provided, single submitter. Criteria: Invitae Variant Classification Sherloc (09022015). Collection method: clinical testing. Allele origin: germline.

NM_003873.7(NRP1):c.418A>C (p.Ile140Leu)

Gene: NRP1 (neuropilin 1; minus strand). Cytogenetic location: 10p11.22.
Variant type: single nucleotide variant.
Coding change: c.418A>C on transcript NM_003873.7 (MANE Select); coding-DNA position 418, A replaced by C.
Protein change: p.Ile140Leu; replaces isoleucine 140 with leucine.
Molecular consequence: missense variant.
Genome position (GRCh38, 1-based): chr10:33,270,687, T>G on the plus strand (A>C on the coding strand, the complement: NRP1 is on the minus strand). VCF-style: chr10-33270687-T-G. GRCh37 (hg19) VCF-style: chr10-33559615-T-G.
Other names: c.418A>C, p.Ile140Leu (NM_001024628.3, NM_001024629.3, NM_001244972.2 and 2 more transcripts); short protein forms I140L.
Identifiers: ClinVar variation 753910 (VCV000753910.4), dbSNP rs180868035, ClinGen allele CA5466969.